The following is an entry in ClinVar:

NM_016938.5(EFEMP2):c.290C>T (p.Pro97Leu)

Gene: EFEMP2 (EGF-like fibulin extracellular matrix protein 2; minus strand). Cytogenetic location: 11q13.1.
Variant type: single nucleotide variant.
Coding change: c.290C>T on transcript NM_016938.5 (MANE Select); coding-DNA position 290, C replaced by T.
Protein change: p.Pro97Leu; replaces proline 97 with leucine.
Molecular consequence: missense variant. On other transcripts: non-coding transcript variant (1).
Genome position (GRCh38, 1-based): chr11:65,871,234, G>A on the plus strand (C>T on the coding strand, the complement: EFEMP2 is on the minus strand). VCF-style: chr11-65871234-G-A. GRCh37 (hg19) VCF-style: chr11-65638705-G-A.
Other names: short protein forms P97L.
Identifiers: ClinVar variation 472819 (VCV000472819.11), dbSNP rs779247685, ClinGen allele CA6110725.

ClinVar aggregate classification (germline): Uncertain significance. Review status: criteria provided, multiple submitters, no conflicts (2 of 4 stars). 5 submissions from 5 submitters: Uncertain significance (5). Last evaluated 2025-07-08.

Conditions:
Cardiovascular phenotype. Identifiers: MedGen CN230736.
EFEMP2-related disorder. Also called: EFEMP2-related condition.
Cutis laxa, autosomal recessive, type 1B (ARCL1B). Also called: EFEMP2-Related Cutis Laxa; CUTIS LAXA, AUTOSOMAL RECESSIVE, TYPE IB. Identifiers: Orphanet 90349, MedGen C3280798, MONDO:0013754, OMIM 614437. Disease mechanism: loss of function.

Allele frequency attached by ClinVar (database versions not stated): ExAC 0.00002; gnomAD exomes 0.00003; gnomAD 0.00005 and 0.00006; TOPMed 0.00009.
gnomAD v4.1: 61 of 1,613,942 alleles (0.0038%); highest among the groups gnomAD compares: South Asian, 0.019%; no homozygotes.

Submissions (5):

PreventionGenetics, part of Exact Sciences
Classification: Uncertain significance for EFEMP2-related condition. Last evaluated: 2025-07-08. Review status: criteria provided, single submitter. Criteria: ACMG Guidelines, 2015. Collection method: clinical testing. Allele origin: germline.
Comment: The EFEMP2 c.290C>T variant is predicted to result in the amino acid substitution p.Pro97Leu. To our knowledge, this variant has not been reported in the literature. This variant is reported in 0.020% of alleles in individuals of South Asian descent in gnomAD. At this time, the clinical significance of this variant is uncertain due to the absence of conclusive functional and genetic evidence.

Ambry Genetics
Classification: Uncertain significance for Cardiovascular phenotype. Last evaluated: 2024-02-22. Review status: criteria provided, single submitter. Criteria: Ambry Variant Classification Scheme 2023. Collection method: clinical testing. Allele origin: germline.
Comment: The p.P97L variant (also known as c.290C>T), located in coding exon 3 of the EFEMP2 gene, results from a C to T substitution at nucleotide position 290. The proline at codon 97 is replaced by leucine, an amino acid with similar properties. This amino acid position is well conserved in available vertebrate species. In addition, the in silico prediction for this alteration is inconclusive. Since supporting evidence is limited at this time, the clinical significance of this alteration remains unclear.

Fulgent Genetics
Classification: Uncertain significance for Cutis laxa, autosomal recessive, type 1B. Last evaluated: 2023-12-26. Review status: criteria provided, single submitter. Criteria: ACMG Guidelines, 2015. Collection method: clinical testing. Allele origin: germline.

Labcorp Genetics (formerly Invitae), Labcorp
Classification: Uncertain significance for Cutis laxa, autosomal recessive, type 1B. Last evaluated: 2022-07-06. Review status: criteria provided, single submitter. Criteria: Invitae Variant Classification Sherloc (09022015). Collection method: clinical testing. Allele origin: germline.
Comment: This sequence change replaces proline, which is neutral and non-polar, with leucine, which is neutral and non-polar, at codon 97 of the EFEMP2 protein (p.Pro97Leu). This variant is present in population databases (rs779247685, gnomAD 0.02%). This variant has not been reported in the literature in individuals affected with EFEMP2-related conditions. ClinVar contains an entry for this variant (Variation ID: 472819). Algorithms developed to predict the effect of missense changes on protein structure and function are either unavailable or do not agree on the potential impact of this missense change (SIFT: "Deleterious"; PolyPhen-2: "Benign"; Align-GVGD: "Class C0"). In summary, the available evidence is currently insufficient to determine the role of this variant in disease. Therefore, it has been classified as a Variant of Uncertain Significance.

Clinical Genetics Laboratory, Skane University Hospital Lund
Classification: Uncertain significance. Last evaluated: 2022-05-27. Review status: criteria provided, single submitter. Criteria: ACMG Guidelines, 2015. Collection method: clinical testing. Allele origin: germline. Affected: yes.